The following is an entry in ClinVar:

ClinVar aggregate classification (germline): Benign. Review status: criteria provided, multiple submitters, no conflicts (2 of 4 stars). 7 submissions from 7 submitters: Benign (6). 1 of the submissions does not count toward it. Last evaluated 2026-02-03.

Conditions:
Early-infantile DEE. Also called: Ohtahara syndrome; Early infantile epileptic encephalopathy with suppression bursts; Early infantile epileptic encephalopathy. Identifiers: Orphanet 1934, MedGen C0393706, MONDO:0800491.
Inborn genetic diseases. Identifiers: MedGen C0950123, MeSH D030342.

Allele frequency attached by ClinVar (database versions not stated): ExAC 0.00439; 1000 Genomes Project 0.00978; 1000 Genomes Project 30x 0.01015; ESP Exome Variant Server 0.01451; TOPMed 0.01496; gnomAD exomes 0.00200 and 0.00392; gnomAD 0.01269 and 0.01369.
gnomAD v4.1: 4,971 of 1,613,826 alleles (0.31%); highest among the groups gnomAD compares: African/African-American, 4.5%; 86 homozygotes.

Submissions (7):

Labcorp Genetics (formerly Invitae), Labcorp
Classification: Benign for Early-infantile DEE. Last evaluated: 2026-02-03. Review status: criteria provided, single submitter. Criteria: Invitae Variant Classification Sherloc (09022015). Collection method: clinical testing. Allele origin: germline.

Athena Diagnostics
Classification: Benign. Last evaluated: 2024-12-02. Review status: criteria provided, single submitter. Criteria: Athena Diagnostics Criteria. Collection method: clinical testing. Allele origin: unknown.
Comment: The frequency of this variant in the general population is higher than would generally be expected for pathogenic variants in this gene.

Mayo Clinic Laboratories, Mayo Clinic
Classification: Benign. Last evaluated: 2019-03-20. Review status: criteria provided, single submitter. Criteria: ACMG Guidelines, 2015. Collection method: clinical testing. Allele origin: germline. Observed: 11 variant alleles.

Ambry Genetics
Classification: Benign for Inborn genetic diseases. Last evaluated: 2016-03-21. Review status: criteria provided, single submitter. Criteria: Ambry Variant Classification Scheme 2023. Collection method: clinical testing. Allele origin: germline.

GeneDx
Classification: Benign. Last evaluated: 2013-11-27. Review status: criteria provided, single submitter. Criteria: GeneDx Variant Classification (06012015). Collection method: clinical testing. Allele origin: germline. Affected: yes.
Comment: This variant is considered likely benign or benign based on one or more of the following criteria: it is a conservative change, it occurs at a poorly conserved position in the protein, it is predicted to be benign by multiple in silico algorithms, and/or has population frequency not consistent with disease.

Breakthrough Genomics
Classification: Benign. Review status: criteria provided, single submitter. Criteria: ACMG Guidelines, 2015. Collection method: not provided. Allele origin: germline. Inheritance: Autosomal dominant inheritance. Affected: yes.

Genetic Services Laboratory, University of Chicago
Classification: Likely benign for AllHighlyPenetrant. Review status: no assertion criteria provided. Collection method: clinical testing. Allele origin: germline. Inheritance: Autosomal dominant inheritance. Not counted in ClinVar's aggregate classification.
Comment: Likely benign based on allele frequency in 1000 Genomes Project or ESP global frequency and its presence in a patient with a rare or unrelated disease phenotype. NOT Sanger confirmed.

Literature cited by the submitters: PubMed 21703448 (cited by Athena Diagnostics).

NM_001330260.2(SCN8A):c.4779C>T (p.Val1593=)

Gene: SCN8A (sodium voltage-gated channel alpha subunit 8; plus strand). Cytogenetic location: 12q13.13.
Variant type: single nucleotide variant.
Coding change: c.4779C>T on transcript NM_001330260.2 (MANE Select); coding-DNA position 4779, C replaced by T.
Protein change: p.Val1593=; no amino-acid change (valine 1593 retained).
Molecular consequence: synonymous variant.
Genome position (GRCh38, 1-based): chr12:51,794,625, C>T. VCF-style: chr12-51794625-C-T. GRCh37 (hg19) VCF-style: chr12-52188409-C-T.
Other names: p.V1593V:GTC>GTT; p.Val1593=; c.4656C>T, p.Val1552= (NM_001177984.3, NM_001369788.1); c.4779C>T, p.Val1593= (NM_014191.4).
Identifiers: ClinVar variation 130250 (VCV000130250.25), dbSNP rs12301486, ClinGen allele CA289038.